The following is an entry in ClinVar:

NM_000540.3(RYR1):c.3056G>C (p.Arg1019Pro)

Gene: RYR1 (ryanodine receptor 1; plus strand). Cytogenetic location: 19q13.2.
Variant type: single nucleotide variant.
Coding change: c.3056G>C on transcript NM_000540.3 (MANE Select); coding-DNA position 3056, G replaced by C.
Protein change: p.Arg1019Pro; replaces arginine 1019 with proline.
Molecular consequence: missense variant.
Genome position (GRCh38, 1-based): chr19:38,466,276, G>C. VCF-style: chr19-38466276-G-C. GRCh37 (hg19) VCF-style: chr19-38956916-G-C.
Other names: c.3056G>C, p.Arg1019Pro (NM_001042723.2); short protein forms R1019P.
Identifiers: ClinVar variation 2429618 (VCV002429618.1), dbSNP rs781550981, ClinGen allele CA405635295.

ClinVar aggregate classification (germline): Uncertain significance (1 of 4 stars; one submission).

Submission:

GeneDx
Classification: Uncertain significance. Last evaluated: 2022-08-10. Review status: criteria provided, single submitter. Criteria: GeneDx Variant Classification Process June 2021. Collection method: clinical testing. Allele origin: germline. Affected: yes.
Comment: Not observed at significant frequency in large population cohorts (gnomAD); In silico analysis supports that this missense variant has a deleterious effect on protein structure/function; Has not been previously published as pathogenic or benign to our knowledge